The following is an entry in ClinVar:

ClinVar aggregate classification (germline): Likely benign (0 of 4 stars; one submission).

Conditions:
ARID1B-Related Disorder. Identifiers: MedGen CN381337.

Submission:

PreventionGenetics, part of Exact Sciences
Classification: Likely benign for ARID1B-related condition. Last evaluated: 2020-10-22. Review status: no assertion criteria provided. Collection method: clinical testing. Allele origin: germline.
Comment: This variant is classified as likely benign based on ACMG/AMP sequence variant interpretation guidelines (Richards et al. 2015 PMID: 25741868, with internal and published modifications).

NM_001374828.1(ARID1B):c.1587G>C (p.Pro529=)

Gene: ARID1B (AT-rich interaction domain 1B; plus strand). Cytogenetic location: 6q25.3.
Variant type: single nucleotide variant.
Coding change: c.1587G>C on transcript NM_001374828.1 (MANE Select); coding-DNA position 1587, G replaced by C.
Protein change: p.Pro529=; no amino-acid change (proline 529 retained).
Molecular consequence: synonymous variant.
Genome position (GRCh38, 1-based): chr6:156,779,267, G>C. VCF-style: chr6-156779267-G-C. GRCh37 (hg19) VCF-style: chr6-157100401-G-C.
Other names: c.1338G>C, p.Pro446= (NM_001346813.1, NM_020732.3); c.1587G>C, p.Pro529= (NM_001371656.1, NM_001374820.1, NM_017519.3); c.1164G>C, p.Pro388= (NM_175863.2).
Identifiers: ClinVar variation 3041955 (VCV003041955.2), dbSNP rs765760904, ClinGen allele CA452989640.